The following is an entry in ClinVar:

ClinVar aggregate classification (germline): Uncertain significance. Review status: criteria provided, multiple submitters, no conflicts (2 of 4 stars). 3 submissions from 3 submitters: Uncertain significance (2). 1 of the submissions does not count toward it. Last evaluated 2024-10-29.

Conditions:
Bloom syndrome (BLM). Also called: Bloom-Torre-Machacek syndrome. Identifiers: Orphanet 125, MedGen C0005859, MONDO:0008876, OMIM 210900.
Hereditary cancer-predisposing syndrome. Also called: Neoplastic Syndromes, Hereditary; Hereditary neoplastic syndrome; Tumor predisposition; Hereditary Cancer Syndrome. Identifiers: Orphanet 140162, MedGen C0027672, MeSH D009386, MONDO:0015356.

Allele frequency attached by ClinVar (database versions not stated): gnomAD exomes below 0.00001; gnomAD 0.00001; TOPMed 0.00001; ESP Exome Variant Server 0.00008.
gnomAD v4.1: 1 of 1,614,058 alleles (0.000062%); highest among the groups gnomAD compares: Non-Finnish European, 0.000085%; no homozygotes.

Submissions (3):

Labcorp Genetics (formerly Invitae), Labcorp
Classification: Uncertain significance for Bloom syndrome. Last evaluated: 2024-10-29. Review status: criteria provided, single submitter. Criteria: Invitae Variant Classification Sherloc (09022015). Collection method: clinical testing. Allele origin: germline.
Comment: This sequence change replaces tyrosine, which is neutral and polar, with histidine, which is basic and polar, at codon 995 of the BLM protein (p.Tyr995His). This variant is not present in population databases (gnomAD no frequency). This variant has not been reported in the literature in individuals affected with BLM-related conditions. ClinVar contains an entry for this variant (Variation ID: 524798). Invitae Evidence Modeling of protein sequence and biophysical properties (such as structural, functional, and spatial information, amino acid conservation, physicochemical variation, residue mobility, and thermodynamic stability) indicates that this missense variant is expected to disrupt BLM protein function with a positive predictive value of 80%. Experimental studies have shown that this missense change does not substantially affect BLM function (PMID: 23129629). In summary, the available evidence is currently insufficient to determine the role of this variant in disease. Therefore, it has been classified as a Variant of Uncertain Significance.

Ambry Genetics
Classification: Uncertain significance for Hereditary cancer-predisposing syndrome. Last evaluated: 2024-02-06. Review status: criteria provided, single submitter. Criteria: Ambry Variant Classification Scheme 2023. Collection method: clinical testing. Allele origin: germline.
Comment: The p.Y995H variant (also known as c.2983T>C), located in coding exon 14 of the BLM gene, results from a T to C substitution at nucleotide position 2983. The tyrosine at codon 995 is replaced by histidine, an amino acid with similar properties. This alteration has been reported in an individual with familial colorectal cancer who previously tested negative for Lynch syndrome mutations (Hansen MF et al. Clin Genet, 2017 Oct;92:405-414). This amino acid position is highly conserved in available vertebrate species. In addition, this alteration is predicted to be deleterious by in silico analysis. Since supporting evidence is limited at this time, the clinical significance of this alteration remains unclear.

Natera, Inc.
Classification: Uncertain significance for Bloom syndrome. Last evaluated: 2020-07-24. Review status: no assertion criteria provided. Collection method: clinical testing. Allele origin: germline. Not counted in ClinVar's aggregate classification.

Literature cited by the submitters: PubMed 23129629 (cited by Labcorp Genetics (formerly Invitae), Labcorp); PubMed 28195393 (cited by Ambry Genetics).

NM_000057.4(BLM):c.2983T>C (p.Tyr995His)

Gene: BLM (BLM RecQ like helicase; plus strand). Cytogenetic location: 15q26.1.
Variant type: single nucleotide variant.
Coding change: c.2983T>C on transcript NM_000057.4 (MANE Select); coding-DNA position 2983, T replaced by C.
Protein change: p.Tyr995His; replaces tyrosine 995 with histidine.
Molecular consequence: missense variant.
Genome position (GRCh38, 1-based): chr15:90,790,808, T>C. VCF-style: chr15-90790808-T-C. GRCh37 (hg19) VCF-style: chr15-91334038-T-C.
Other names: c.2983T>C (NM_000057.2); c.2983T>C, p.Tyr995His (NM_001287246.2, NM_001287247.2); c.1858T>C, p.Tyr620His (NM_001287248.2); short protein forms Y995H, Y620H.
Identifiers: ClinVar variation 524798 (VCV000524798.11), dbSNP rs142723411, ClinGen allele CA274764723.